The following is an entry in ClinVar:

NM_006031.6(PCNT):c.2849A>C (p.Gln950Pro)

Gene: PCNT (pericentrin; plus strand). Cytogenetic location: 21q22.3.
Variant type: single nucleotide variant.
Coding change: c.2849A>C on transcript NM_006031.6 (MANE Select); coding-DNA position 2849, A replaced by C.
Protein change: p.Gln950Pro; replaces glutamine 950 with proline.
Molecular consequence: missense variant.
Genome position (GRCh38, 1-based): chr21:46,366,823, A>C. VCF-style: chr21-46366823-A-C. GRCh37 (hg19) VCF-style: chr21-47786738-A-C.
Other names: c.2495A>C, p.Gln832Pro (NM_001315529.2); short protein forms Q832P, Q950P.
Identifiers: ClinVar variation 3354304 (VCV003354304.2).

ClinVar aggregate classification (germline): Uncertain significance (1 of 4 stars; one submission).

Conditions:
PCNT-related disorder. Also called: PCNT-related condition.

gnomAD v4.1: 105 of 1,613,850 alleles (0.0065%); highest among the groups gnomAD compares: Non-Finnish European, 0.0081%; no homozygotes.

Submission:

PreventionGenetics, part of Exact Sciences
Classification: Uncertain significance for PCNT-related condition. Last evaluated: 2025-06-02. Review status: criteria provided, single submitter. Criteria: ACMG Guidelines, 2015. Collection method: clinical testing. Allele origin: germline.
Comment: The PCNT c.2849A>C variant is predicted to result in the amino acid substitution p.Gln950Pro. To our knowledge, this variant has not been reported in the literature. This variant is reported in 0.0040% of alleles in individuals of African descent in gnomAD. At this time, the clinical significance of this variant is uncertain due to the absence of conclusive functional and genetic evidence.